The following is an entry in ClinVar:

NM_015213.4(DENND5A):c.2050A>G (p.Ser684Gly)

Gene: DENND5A (DENN domain containing 5A; minus strand). Cytogenetic location: 11p15.4.
Variant type: single nucleotide variant.
Coding change: c.2050A>G on transcript NM_015213.4 (MANE Select); coding-DNA position 2050, A replaced by G.
Protein change: p.Ser684Gly; replaces serine 684 with glycine.
Molecular consequence: missense variant. On other transcripts: non-coding transcript variant (1).
Genome position (GRCh38, 1-based): chr11:9,170,634, T>C on the plus strand (A>G on the coding strand, the complement: DENND5A is on the minus strand). VCF-style: chr11-9170634-T-C. GRCh37 (hg19) VCF-style: chr11-9192181-T-C.
Other names: c.2050A>G, p.Ser684Gly (NM_001243254.2); c.1978A>G, p.Ser660Gly (NM_001348749.2); c.1762A>G, p.Ser588Gly (NM_001348750.2); c.2050A>G (NM_015213.3); short protein forms S588G, S660G, S684G.
Identifiers: ClinVar variation 1503489 (VCV001503489.9), dbSNP rs1377065655, ClinGen allele CA379611683.

ClinVar aggregate classification (germline): Uncertain significance. Review status: criteria provided, multiple submitters, no conflicts (2 of 4 stars). 4 submissions from 4 submitters: Uncertain significance (4). Last evaluated 2024-07-11.

Conditions:
Inborn genetic diseases. Identifiers: MedGen C0950123, MeSH D030342.
Developmental and epileptic encephalopathy, 49 (DEE49). Also called: Epileptic encephalopathy, early infantile, 49. Identifiers: MedGen C4310635, MONDO:0015002, OMIM 617281.

Allele frequency attached by ClinVar (database versions not stated): gnomAD exomes below 0.00001; gnomAD 0.00003 and 0.00004; TOPMed 0.00005.
gnomAD v4.1: 9 of 1,613,900 alleles (0.00056%); highest among the groups gnomAD compares: Admixed American, 0.0083%; no homozygotes.

Submissions (4):

Labcorp Genetics (formerly Invitae), Labcorp
Classification: Uncertain significance. Last evaluated: 2024-07-11. Review status: criteria provided, single submitter. Criteria: Invitae Variant Classification Sherloc (09022015). Collection method: clinical testing. Allele origin: germline.
Comment: This sequence change replaces serine, which is neutral and polar, with glycine, which is neutral and non-polar, at codon 684 of the DENND5A protein (p.Ser684Gly). This variant is present in population databases (no rsID available, gnomAD no frequency). This variant has not been reported in the literature in individuals affected with DENND5A-related conditions. ClinVar contains an entry for this variant (Variation ID: 1503489). Advanced modeling of protein sequence and biophysical properties (such as structural, functional, and spatial information, amino acid conservation, physicochemical variation, residue mobility, and thermodynamic stability) performed at Invitae indicates that this missense variant is not expected to disrupt DENND5A protein function with a negative predictive value of 80%. In summary, the available evidence is currently insufficient to determine the role of this variant in disease. Therefore, it has been classified as a Variant of Uncertain Significance.

Ambry Genetics
Classification: Uncertain significance for Inborn genetic diseases. Last evaluated: 2023-12-21. Review status: criteria provided, single submitter. Criteria: Ambry Variant Classification Scheme 2023. Collection method: clinical testing. Allele origin: germline.

GeneDx
Classification: Uncertain significance. Last evaluated: 2023-05-11. Review status: criteria provided, single submitter. Criteria: GeneDx Variant Classification Process June 2021. Collection method: clinical testing. Allele origin: germline. Affected: yes.
Comment: Not observed at significant frequency in large population cohorts (gnomAD); In silico analysis supports that this missense variant does not alter protein structure/function; Has not been previously published as pathogenic or benign to our knowledge

New York Genome Center
Classification: Uncertain significance for Developmental and epileptic encephalopathy, 49. Last evaluated: 2021-05-14. Review status: criteria provided, single submitter. Criteria: NYGC Assertion Criteria 2020. Collection method: clinical testing. Allele origin: germline. Observed: 1 variant allele. Study: CSER-NYCKidSeq.